The following is an entry in ClinVar:

NM_000384.3(APOB):c.2522G>C (p.Gly841Ala)

Gene: APOB (apolipoprotein B; minus strand). Cytogenetic location: 2p24.1.
Variant type: single nucleotide variant.
Coding change: c.2522G>C on transcript NM_000384.3 (MANE Select); coding-DNA position 2522, G replaced by C.
Protein change: p.Gly841Ala; replaces glycine 841 with alanine.
Molecular consequence: missense variant.
Genome position (GRCh38, 1-based): chr2:21,023,607, C>G on the plus strand (G>C on the coding strand, the complement: APOB is on the minus strand). VCF-style: chr2-21023607-C-G. GRCh37 (hg19) VCF-style: chr2-21246479-C-G.
Other names: short protein forms G841A.
Identifiers: ClinVar variation 1792563 (VCV001792563.2), dbSNP rs1245396413, ClinGen allele CA346011091.

ClinVar aggregate classification (germline): Uncertain significance (1 of 4 stars; one submission).

Conditions:
Cardiovascular phenotype. Identifiers: MedGen CN230736.

Allele frequency attached by ClinVar (database versions not stated): gnomAD exomes below 0.00001.
gnomAD v4.1: 3 of 1,614,132 alleles (0.00019%); highest among the groups gnomAD compares: Non-Finnish European, 0.00025%; no homozygotes.

Submission:

Ambry Genetics
Classification: Uncertain significance for Cardiovascular phenotype. Last evaluated: 2022-08-03. Review status: criteria provided, single submitter. Criteria: Ambry Variant Classification Scheme 2023. Collection method: clinical testing. Allele origin: germline.
Comment: The p.G841A variant (also known as c.2522G>C), located in coding exon 17 of the APOB gene, results from a G to C substitution at nucleotide position 2522. The glycine at codon 841 is replaced by alanine, an amino acid with similar properties. This amino acid position is conserved. In addition, this alteration is predicted to be tolerated by in silico analysis. Since supporting evidence is limited at this time, the clinical significance of this alteration remains unclear.